The following is an entry in ClinVar:

ClinVar aggregate classification (germline): Uncertain significance. Review status: criteria provided, multiple submitters, no conflicts (2 of 4 stars). 2 submissions from 2 submitters: Uncertain significance (2). Last evaluated 2024-09-16.

Conditions:
Catecholaminergic polymorphic ventricular tachycardia (CVPT). Also called: Catecholamine-induced polymorphic ventricular tachycardia. Identifiers: Orphanet 3286, MedGen C5574922, MONDO:0017990.
Catecholaminergic polymorphic ventricular tachycardia 1. Also called: RYR2-Related Catecholaminergic Polymorphic Ventricular Tachycardia; VENTRICULAR TACHYCARDIA, STRESS-INDUCED POLYMORPHIC 1; VENTRICULAR TACHYCARDIA, CATECHOLAMINERGIC POLYMORPHIC, 1, WITH OR WITHOUT ATRIAL DYSFUNCTION AND/OR DILATED CARDIOMYOPATHY. Identifiers: Orphanet 3286, MedGen C1631597, MONDO:0011484, OMIM 604772.

Allele frequency attached by ClinVar (database versions not stated): gnomAD exomes below 0.00001.
gnomAD v4.1: 1 of 1,609,906 alleles (0.000062%); highest among the groups gnomAD compares: Non-Finnish European, 0.000085%; no homozygotes.

Submissions (2):

Labcorp Genetics (formerly Invitae), Labcorp
Classification: Uncertain significance for Catecholaminergic polymorphic ventricular tachycardia 1. Last evaluated: 2024-09-16. Review status: criteria provided, single submitter. Criteria: Invitae Variant Classification Sherloc (09022015). Collection method: clinical testing. Allele origin: germline.
Comment: This sequence change falls in intron 23 of the RYR2 gene. It does not directly change the encoded amino acid sequence of the RYR2 protein. It affects a nucleotide within the consensus splice site. This variant is not present in population databases (gnomAD no frequency). This variant has not been reported in the literature in individuals affected with RYR2-related conditions. Variants that disrupt the consensus splice site are a relatively common cause of aberrant splicing (PMID: 17576681, 9536098). Algorithms developed to predict the effect of sequence changes on RNA splicing suggest that this variant may disrupt the consensus splice site. In summary, the available evidence is currently insufficient to determine the role of this variant in disease. Therefore, it has been classified as a Variant of Uncertain Significance.

All of Us Research Program, National Institutes of Health
Classification: Uncertain significance for Catecholaminergic polymorphic ventricular tachycardia. Last evaluated: 2023-04-03. Review status: criteria provided, single submitter. Criteria: ACMG Guidelines, 2015. Collection method: clinical testing. Allele origin: germline. Inheritance: Autosomal dominant inheritance. Observed: 1 variant allele, 1 heterozygote.
Comment: This variant causes an A to C nucleotide substitution at the +3 position of intron 23 of the RYR2 gene. Splice site prediction tools predict that this variant may have a significant impact on RNA splicing. To our knowledge, functional studies have not been reported for this variant. This variant has not been reported in individuals affected with RYR2-related disorders in the literature. This variant has not been identified in the general population by the Genome Aggregation Database (gnomAD). The available evidence is insufficient to determine the role of this variant in disease conclusively. Therefore, this variant is classified as a Variant of Uncertain Significance.

This study involves interpretation of variants in research participants for the purpose of population health screening. Participant phenotype was not available at the time of variant classification. Additional details can be found in publication PMID: 35346344, PMCID: PMC8962531

Literature cited by the submitters: PubMed 17576681 (cited by Labcorp Genetics (formerly Invitae), Labcorp); PubMed 9536098 (cited by Labcorp Genetics (formerly Invitae), Labcorp).

NM_001035.3(RYR2):c.2718+3A>C

Gene: RYR2 (ryanodine receptor 2; plus strand). Cytogenetic location: 1q43.
Variant type: single nucleotide variant.
Coding change: c.2718+3A>C on transcript NM_001035.3 (MANE Select); 3 bases into the intron after coding-DNA position 2718, A replaced by C.
Molecular consequence: intron variant.
Genome position (GRCh38, 1-based): chr1:237,506,817, A>C. VCF-style: chr1-237506817-A-C. GRCh37 (hg19) VCF-style: chr1-237670117-A-C.
Identifiers: ClinVar variation 3070178 (VCV003070178.3), dbSNP rs2545921149, ClinGen allele CA2574459669.